The following is an entry in ClinVar:

ClinVar aggregate classification (germline): Uncertain significance. Review status: criteria provided, multiple submitters, no conflicts (2 of 4 stars). 2 submissions from 2 submitters: Uncertain significance (2). Last evaluated 2026-04-23.

Conditions:
TTN-related disorder. Also called: TTN-related condition; TTN-related disease; TTN-related disorders.

Allele frequency attached by ClinVar (database versions not stated): TOPMed 0.00001; gnomAD exomes 0.00002.
gnomAD v4.1: 28 of 1,613,712 alleles (0.0017%); highest among the groups gnomAD compares: Non-Finnish European, 0.0023%; no homozygotes.

Submissions (2):

PreventionGenetics, part of Exact Sciences
Classification: Uncertain significance for TTN-related condition. Last evaluated: 2026-04-23. Review status: criteria provided, single submitter. Criteria: ACMG Guidelines, 2015. Collection method: clinical testing. Allele origin: germline.
Comment: The TTN c.25994A>G variant is predicted to result in the amino acid substitution p.Glu8665Gly. To our knowledge, this variant has not been reported in the literature. This variant is reported in 0.0018% of alleles in individuals of European (Non-Finnish) descent in gnomAD. At this time, the clinical significance of this variant is uncertain due to the absence of conclusive functional and genetic evidence.

Revvity Omics, Revvity
Classification: Uncertain significance. Last evaluated: 2020-01-28. Review status: criteria provided, single submitter. Criteria: ACMG Guidelines, 2015. Collection method: clinical testing. Allele origin: germline.

NM_001267550.2(TTN):c.25994A>G (p.Glu8665Gly)

Gene: TTN (titin; minus strand). Cytogenetic location: 2q31.2.
Variant type: single nucleotide variant.
Coding change: c.25994A>G on transcript NM_001267550.2 (MANE Select); coding-DNA position 25994, A replaced by G.
Protein change: p.Glu8665Gly; replaces glutamic acid 8665 with glycine.
Molecular consequence: missense variant. On other transcripts: intron variant (3).
Genome position (GRCh38, 1-based): chr2:178,715,192, T>C on the plus strand (A>G on the coding strand, the complement: TTN is on the minus strand). VCF-style: chr2-178715192-T-C. GRCh37 (hg19) VCF-style: chr2-179579919-T-C.
Other names: c.25043A>G, p.Glu8348Gly (NM_001256850.1); c.22262A>G, p.Glu7421Gly (NM_133378.4); c.13282+22890A>G (NM_003319.4); c.13858+22890A>G (NM_133437.4); c.13657+22890A>G (NM_133432.3); short protein forms E7421G, E8348G, E8665G.
Identifiers: ClinVar variation 2437461 (VCV002437461.4), dbSNP rs1226104343, ClinGen allele CA349475923.